The following is an entry in ClinVar:

NM_012079.6(DGAT1):c.1186C>T (p.Arg396Trp)

Gene: DGAT1 (diacylglycerol O-acyltransferase 1; minus strand). Cytogenetic location: 8q24.3.
Variant type: single nucleotide variant.
Coding change: c.1186C>T on transcript NM_012079.6 (MANE Select); coding-DNA position 1186, C replaced by T.
Protein change: p.Arg396Trp; replaces arginine 396 with tryptophan.
Molecular consequence: missense variant.
Genome position (GRCh38, 1-based): chr8:144,317,084, G>A on the plus strand (C>T on the coding strand, the complement: DGAT1 is on the minus strand). VCF-style: chr8-144317084-G-A. GRCh37 (hg19) VCF-style: chr8-145540747-G-A.
Other names: short protein forms R396W.
Identifiers: ClinVar variation 1924505 (VCV001924505.2), dbSNP rs375843442, ClinGen allele CA4936631.

ClinVar aggregate classification (germline): Uncertain significance (1 of 4 stars; one submission).

Allele frequency attached by ClinVar (database versions not stated): ExAC 0.00003; gnomAD exomes 0.00003; gnomAD 0.00004; TOPMed 0.00006; ESP Exome Variant Server 0.00008.
gnomAD v4.1: 51 of 1,612,836 alleles (0.0032%); highest among the groups gnomAD compares: Middle Eastern, 0.049%; 1 homozygote.

Submission:

Labcorp Genetics (formerly Invitae), Labcorp
Classification: Uncertain significance. Last evaluated: 2022-01-18. Review status: criteria provided, single submitter. Criteria: Invitae Variant Classification Sherloc (09022015). Collection method: clinical testing. Allele origin: germline.
Comment: This sequence change replaces arginine, which is basic and polar, with tryptophan, which is neutral and slightly polar, at codon 396 of the DGAT1 protein (p.Arg396Trp). This variant is present in population databases (rs375843442, gnomAD 0.01%). This variant has not been reported in the literature in individuals affected with DGAT1-related conditions. Algorithms developed to predict the effect of missense changes on protein structure and function output the following: SIFT: "Tolerated"; PolyPhen-2: "Possibly Damaging"; Align-GVGD: "Class C0". The tryptophan amino acid residue is found in multiple mammalian species, which suggests that this missense change does not adversely affect protein function. In summary, the available evidence is currently insufficient to determine the role of this variant in disease. Therefore, it has been classified as a Variant of Uncertain Significance.